The following is an entry in ClinVar:

ClinVar aggregate classification (germline): Uncertain significance. Review status: criteria provided, multiple submitters, no conflicts (2 of 4 stars). 2 submissions from 2 submitters: Uncertain significance (2). Last evaluated 2026-04-07.

Conditions:
Cardiovascular phenotype. Identifiers: MedGen CN230736.

Allele frequency attached by ClinVar (database versions not stated): gnomAD 0.00001.
gnomAD v4.1: 7 of 1,549,822 alleles (0.00045%); highest among the groups gnomAD compares: Admixed American, 0.002%; no homozygotes.

Submissions (2):

Women's Health and Genetics/Laboratory Corporation of America, LabCorp
Classification: Uncertain significance. Last evaluated: 2026-04-07. Review status: criteria provided, single submitter. Criteria: LabCorp Variant Classification Summary - May 2015. Collection method: clinical testing. Allele origin: germline.
Comment: Variant summary: ZNF469 c.568A>G (p.Ser190Gly) results in a non-conservative amino acid change in the encoded protein sequence. Algorithms developed to predict the effect of missense changes on protein structure and function are either unavailable or do not agree on the potential impact of this missense change. The variant allele was found at a frequency of 6.8e-06 in 148074 control chromosomes. The available data on variant occurrences in the general population are insufficient to allow any conclusion about variant significance. To our knowledge, no occurrence of c.568A>G in individuals affected with ZNF469-related conditions and no experimental evidence demonstrating its impact on protein function have been reported. ClinVar contains an entry for this variant (Variation ID: 3195989). Based on the evidence outlined above, the variant was classified as uncertain significance.

Ambry Genetics
Classification: Uncertain significance for Cardiovascular phenotype. Last evaluated: 2025-05-17. Review status: criteria provided, single submitter. Criteria: Ambry Variant Classification Scheme 2023. Collection method: clinical testing. Allele origin: germline.
Comment: The p.S190G variant (also known as c.568A>G), located in coding exon 1 of the ZNF469 gene, results from an A to G substitution at nucleotide position 568. The serine at codon 190 is replaced by glycine, an amino acid with similar properties. This amino acid position is conserved. In addition, this alteration is predicted to be tolerated by in silico analysis. Based on the available evidence, the clinical significance of this variant remains unclear.

NM_001367624.2(ZNF469):c.568A>G (p.Ser190Gly)

Gene: ZNF469 (zinc finger protein 469; plus strand). Cytogenetic location: 16q24.2.
Variant type: single nucleotide variant.
Coding change: c.568A>G on transcript NM_001367624.2 (MANE Select); coding-DNA position 568, A replaced by G.
Protein change: p.Ser190Gly; replaces serine 190 with glycine.
Molecular consequence: missense variant.
Genome position (GRCh38, 1-based): chr16:88,428,038, A>G. VCF-style: chr16-88428038-A-G. GRCh37 (hg19) VCF-style: chr16-88494446-A-G.
Other names: NM_001127464.1:c.568A>G; short protein forms S190G.
Identifiers: ClinVar variation 3195989 (VCV003195989.3), dbSNP rs1034825371, ClinGen allele CA286371731.
Genomic context (GRCh38, chr16:88,428,038, plus strand): 5'-GAGGCCCAACCCGCCGCCGAAGAGCTTGGCTTCCACAGGTGCTTCCAGGAGCCACCCTCC[A>G]GCTTTACCTCCACCAACTATACCTCACCAAGCGCCACCCCCAGGCCCCCAGCCCCGGGGC-3'
Protein context (NP_001354553.1, residues 180-200): FHRCFQEPPS[Ser190Gly]FTSTNYTSPS